The following is an entry in ClinVar:

NM_001369.3(DNAH5):c.7436_7450delinsC (p.His2479fs)

Gene: DNAH5 (dynein axonemal heavy chain 5; minus strand). Cytogenetic location: 5p15.2.
Variant type: Indel.
Coding change: c.7436_7450delinsC on transcript NM_001369.3 (MANE Select); coding-DNA positions 7436 to 7450, ACCTGGGGCGGCTGT replaced by C.
Protein change: p.His2479fs; shifts the reading frame from histidine 2479.
Molecular consequence: frameshift variant.
Genome position (GRCh38, 1-based): chr5:13,810,218-13,810,232, ACAGCCGCCCCAGGT replaced by G on the plus strand (ACCTGGGGCGGCTGT replaced by C on the coding strand, the reverse complement: DNAH5 is on the minus strand). VCF-style: chr5-13810218-ACAGCCGCCCCAGGT-G. GRCh37 (hg19) VCF-style: chr5-13810327-ACAGCCGCCCCAGGT-G.
Other names: short protein forms H2479fs.
Identifiers: ClinVar variation 652693 (VCV000652693.5), dbSNP rs1580363231, ClinGen allele CA915943291.
Genomic context (GRCh38, chr5:13,810,218, plus strand): 5'-GGCGGCGCCGTCCGTCCAGCTCCAGCGCCGCCCCCGCGCTCCACAGCAGCGCGAACACGA[ACAGCCGCCCCAGGT>G]GAGCCTGGCTCACCTCCCCGCCTTGCTCCTGAGAAGGAAAGACACTTTTTTTTAATAACT-3'

ClinVar aggregate classification (germline): Pathogenic. Review status: criteria provided, multiple submitters, no conflicts (2 of 4 stars). 2 submissions from 2 submitters: Pathogenic (2). Last evaluated 2024-05-14.

Conditions:
Primary ciliary dyskinesia. Also called: Ciliary dyskinesia. Identifiers: Orphanet 244, MedGen C0008780, MONDO:0016575, HP:0012265.
Primary ciliary dyskinesia 3. Identifiers: Orphanet 244, MedGen C1837618, MONDO:0012085, OMIM 608644.

Submissions (2):

Myriad Genetics, Inc.
Classification: Pathogenic for Primary ciliary dyskinesia 3. Last evaluated: 2024-05-14. Review status: criteria provided, single submitter. Criteria: Myriad Autosomal Dominant, Autosomal Recessive and X-Linked Classification Criteria (2023). Collection method: clinical testing. Allele origin: unknown.
Comment: NM_001369.2(DNAH5):c.7436_7450del15ins1(H2479Pfs*71) is expected to be pathogenic in the context of primary ciliary dyskinesia, DNAH5-related. This variant is predicted to lead to an abnormal or absent protein product due to the creation of a premature termination codon in DNAH5, a gene where loss-of-function variants are known to be pathogenic. Please note: this variant was assessed in the context of healthy population screening.

Labcorp Genetics (formerly Invitae), Labcorp
Classification: Pathogenic for Primary ciliary dyskinesia. Last evaluated: 2019-05-08. Review status: criteria provided, single submitter. Criteria: Invitae Variant Classification Sherloc (09022015). Collection method: clinical testing. Allele origin: germline.
Comment: This sequence change creates a premature translational stop signal (p.His2479Profs*71) in the DNAH5 gene. It is expected to result in an absent or disrupted protein product. The frequency data for this variant in the population databases is considered unreliable, as metrics indicate insufficient coverage at this position in the ExAC database. This variant has not been reported in the literature in individuals with DNAH5-related disease. Loss-of-function variants in DNAH5 are known to be pathogenic (PMID: 11788826, 16627867). For these reasons, this variant has been classified as Pathogenic.

Literature cited by the submitters: PubMed 11788826 (cited by Labcorp Genetics (formerly Invitae), Labcorp); PubMed 16627867 (cited by Labcorp Genetics (formerly Invitae), Labcorp).